The following is an entry in ClinVar:

ClinVar aggregate classification (germline): Uncertain significance (1 of 4 stars; one submission).

Conditions:
Bardet-Biedl syndrome (BBS). Identifiers: Orphanet 110, MedGen C0752166, MONDO:0015229.

gnomAD v4.1: 4 of 1,613,430 alleles (0.00025%); highest among the groups gnomAD compares: Non-Finnish European, 0.00034%; no homozygotes.

Submission:

Labcorp Genetics (formerly Invitae), Labcorp
Classification: Uncertain significance for Bardet-Biedl syndrome. Last evaluated: 2022-03-13. Review status: criteria provided, single submitter. Criteria: Invitae Variant Classification Sherloc (09022015). Collection method: clinical testing. Allele origin: germline.
Comment: In summary, the available evidence is currently insufficient to determine the role of this variant in disease. Therefore, it has been classified as a Variant of Uncertain Significance. Algorithms developed to predict the effect of missense changes on protein structure and function (SIFT, PolyPhen-2, Align-GVGD) all suggest that this variant is likely to be tolerated. This variant has not been reported in the literature in individuals affected with WDPCP-related conditions. This variant is not present in population databases (gnomAD no frequency). This sequence change replaces isoleucine, which is neutral and non-polar, with valine, which is neutral and non-polar, at codon 52 of the WDPCP protein (p.Ile52Val).

NM_015910.7(WDPCP):c.154A>G (p.Ile52Val)

Gene: WDPCP (WD repeat containing planar cell polarity effector; minus strand). Cytogenetic location: 2p15.
Variant type: single nucleotide variant.
Coding change: c.154A>G on transcript NM_015910.7 (MANE Select); coding-DNA position 154, A replaced by G.
Protein change: p.Ile52Val; replaces isoleucine 52 with valine.
Molecular consequence: missense variant. On other transcripts: non-coding transcript variant (2).
Genome position (GRCh38, 1-based): chr2:63,492,862, T>C on the plus strand (A>G on the coding strand, the complement: WDPCP is on the minus strand). VCF-style: chr2-63492862-T-C. GRCh37 (hg19) VCF-style: chr2-63719996-T-C.
Other names: c.82A>G, p.Ile28Val (NM_001354044.2); c.154A>G, p.Ile52Val (NM_001354045.2); short protein forms I52V, I28V.
Identifiers: ClinVar variation 2110745 (VCV002110745.4), dbSNP rs1288682629, ClinGen allele CA347066307.